The following is an entry in ClinVar:

NM_004329.3(BMPR1A):c.185A>G (p.Tyr62Cys)

Gene: BMPR1A (bone morphogenetic protein receptor type 1A; plus strand). Cytogenetic location: 10q23.2.
Variant type: single nucleotide variant.
Coding change: c.185A>G on transcript NM_004329.3 (MANE Select); coding-DNA position 185, A replaced by G.
Protein change: p.Tyr62Cys; replaces tyrosine 62 with cysteine.
Molecular consequence: missense variant.
Genome position (GRCh38, 1-based): chr10:86,890,179, A>G. VCF-style: chr10-86890179-A-G. GRCh37 (hg19) VCF-style: chr10-88649936-A-G.
Other names: short protein forms Y62C.
Identifiers: ClinVar variation 411633 (VCV000411633.17), dbSNP rs1060503402, ClinGen allele CA16613100.

ClinVar aggregate classification (germline): Uncertain significance. Review status: criteria provided, multiple submitters, no conflicts (2 of 4 stars). 4 submissions from 4 submitters: Uncertain significance (4). Last evaluated 2025-06-29.

Conditions:
Juvenile polyposis syndrome (JPS). Identifiers: Orphanet 2929, MedGen C0345893, MONDO:0017380, OMIM 174900.
Hereditary cancer-predisposing syndrome. Also called: Hereditary neoplastic syndrome; Neoplastic Syndromes, Hereditary; Tumor predisposition; Hereditary Cancer Syndrome. Identifiers: Orphanet 140162, MedGen C0027672, MeSH D009386, MONDO:0015356.

Allele frequency attached by ClinVar (database versions not stated): gnomAD exomes below 0.00001.
gnomAD v4.1: 1 of 1,614,166 alleles (0.000062%); highest among the groups gnomAD compares: Non-Finnish European, 0.000085%; no homozygotes.

Submissions (4):

Ambry Genetics
Classification: Uncertain significance for Hereditary cancer-predisposing syndrome. Last evaluated: 2025-06-29. Review status: criteria provided, single submitter. Criteria: Ambry Variant Classification Scheme 2023. Collection method: clinical testing. Allele origin: germline.
Comment: The p.Y62C variant (also known as c.185A>G), located in coding exon 2 of the BMPR1A gene, results from an A to G substitution at nucleotide position 185. The tyrosine at codon 62 is replaced by cysteine, an amino acid with highly dissimilar properties. An alteration at the same amino acid position, p.Y62D, has previously been reported in an individual with familial juvenile polyposis syndrome, and functional studies indicate this alteration results in significantly decreased BMPR1A localization to the cellular membrane (Sayed MG et al. Ann. Surg. Oncol. 2002 Nov; 9(9):901-6; Howe JR et al. J. Surg. Res. 2013 Oct; 184(2):739-45). This amino acid position is well conserved in available vertebrate species. In addition, the in silico prediction for p.Y62C is inconclusive. Since supporting evidence is limited at this time, the clinical significance of this alteration remains unclear.

Molecular Diagnostics Laboratory, Catalan Institute of Oncology
Classification: Uncertain significance for Hereditary cancer-predisposing syndrome. Last evaluated: 2025-02-02. Review status: criteria provided, single submitter. Criteria: ACMG Guidelines, 2015. Collection method: clinical testing. Allele origin: germline.
Comment: PM2_Supporting, PP3_Moderate c.185A>G is located in exon 4 of the BMPR1A gene, is predicted to result in the substitution of tyrosine by cysteine at codon 62, p.(Tyr62Cys).It is not present in the population database gnomAD v2.1.1, non cancer dataset (PM2_supporting). The SpliceAI algorithm predicts no significant impact on splicing. The REVEL meta-predictor score for this variant (0.825) suggests a deleterious effect on protein function according to Pejaver 2022 thresholds (PMID: 36413997)(PP3_Moderate). To our knowledge, neither relevant clinical data nor functional studies have been reported for this variant. The variant is present in ClinVar database (3x uncertain significance) but is not present in LOVD database. Based on currently available information, the variant c.185A>G is classified as an uncertain significance variant according to ACMG guidelines.

Labcorp Genetics (formerly Invitae), Labcorp
Classification: Uncertain significance for Juvenile polyposis syndrome. Last evaluated: 2023-10-14. Review status: criteria provided, single submitter. Criteria: Invitae Variant Classification Sherloc (09022015). Collection method: clinical testing. Allele origin: germline.
Comment: This sequence change replaces tyrosine, which is neutral and polar, with cysteine, which is neutral and slightly polar, at codon 62 of the BMPR1A protein (p.Tyr62Cys). This variant is not present in population databases (gnomAD no frequency). This variant has not been reported in the literature in individuals affected with BMPR1A-related conditions. ClinVar contains an entry for this variant (Variation ID: 411633). Advanced modeling performed at Invitae incorporating data from internal and/or published experimental studies (Invitae) indicates that this missense variant is not expected to disrupt BMPR1A function. In summary, the available evidence is currently insufficient to determine the role of this variant in disease. Therefore, it has been classified as a Variant of Uncertain Significance.

Color Diagnostics, LLC DBA Color Health
Classification: Uncertain significance for Hereditary cancer-predisposing syndrome. Last evaluated: 2019-03-26. Review status: criteria provided, single submitter. Criteria: ACMG Guidelines, 2015. Collection method: clinical testing. Allele origin: germline.

Literature cited by the submitters: PubMed 12417513 (cited by Ambry Genetics); PubMed 23433720 (cited by Ambry Genetics).